The following is an entry in ClinVar:

ClinVar aggregate classification (germline): Uncertain significance (1 of 4 stars; one submission).

Conditions:
POLD1-related polyposis and colorectal cancer syndrome (CRCS10). Also called: Colorectal cancer 10; COLORECTAL CANCER, SUSCEPTIBILITY TO, ON CHROMOSOME 19q; Colorectal cancer, susceptibility to, 10. Identifiers: Orphanet 220460, MedGen C2675481, MONDO:0012953, OMIM 612591.

Allele frequency attached by ClinVar (database versions not stated): gnomAD exomes below 0.00001; gnomAD 0.00001.

Submission:

Labcorp Genetics (formerly Invitae), Labcorp
Classification: Uncertain significance for POLD1-related polyposis and colorectal cancer syndrome. Last evaluated: 2023-05-07. Review status: criteria provided, single submitter. Criteria: Invitae Variant Classification Sherloc (09022015). Collection method: clinical testing. Allele origin: germline.
Comment: In summary, the available evidence is currently insufficient to determine the role of this variant in disease. Therefore, it has been classified as a Variant of Uncertain Significance. Algorithms developed to predict the effect of sequence changes on RNA splicing suggest that this variant may create or strengthen a splice site. This variant has not been reported in the literature in individuals affected with POLD1-related conditions. This variant is not present in population databases (gnomAD no frequency). This sequence change creates a premature translational stop signal (p.Asn499Lysfs*15) in the POLD1 gene. Missense variants that disrupt the 3'-5' exonuclease (proof-reading) activity of the POLD1 protein are associated with PPAP (polymerase proofreading–associated polyposis) (PMID: 23263490, 23447401). However, loss-of-function variants that result in an absent or severely disrupted POLD1 protein, and missense variants outside the exonuclease domain, are unlikely to be associated with PPAP.

Literature cited by the submitters: PubMed 23263490; PubMed 23447401.

NM_002691.4(POLD1):c.1497del (p.Asn499fs)

Gene: POLD1 (DNA polymerase delta 1, catalytic subunit; plus strand). Cytogenetic location: 19q13.33.
Variant type: Deletion.
Coding change: c.1497del on transcript NM_002691.4 (MANE Select); coding-DNA position 1497, one base deleted (T; older notation c.1497delT).
Protein change: p.Asn499fs; shifts the reading frame from asparagine 499.
Molecular consequence: frameshift variant. On other transcripts: non-coding transcript variant (1).
Genome position (GRCh38, 1-based): chr19:50,406,985, T deleted. VCF-style (leftmost placement, unchanged base first): chr19-50406984-AT-A. GRCh37 (hg19) VCF-style: chr19-50910241-AT-A.
Other names: c.1497del, p.Asn499fs (NM_001256849.1, NM_001308632.1); short protein forms N499fs.
Identifiers: ClinVar variation 2862424 (VCV002862424.3), dbSNP rs2038910836, ClinGen allele CA996802291.